The following is an entry in ClinVar:

NM_000368.5(TSC1):c.2323C>G (p.Leu775Val)

Gene: TSC1 (TSC complex subunit 1; minus strand). Cytogenetic location: 9q34.13.
Variant type: single nucleotide variant.
Coding change: c.2323C>G on transcript NM_000368.5 (MANE Select); coding-DNA position 2323, C replaced by G.
Protein change: p.Leu775Val; replaces leucine 775 with valine.
Molecular consequence: missense variant. On other transcripts: non-coding transcript variant (5).
Genome position (GRCh38, 1-based): chr9:132,902,673, G>C on the plus strand (C>G on the coding strand, the complement: TSC1 is on the minus strand). VCF-style: chr9-132902673-G-C. GRCh37 (hg19) VCF-style: chr9-135778060-G-C.
Other names: c.1960C>G, p.Leu654Val (NM_001406618.1, NM_001406619.1, NM_001406624.1 and 5 more transcripts); c.1957C>G, p.Leu653Val (NM_001406620.1, NM_001406621.1, NM_001406622.1 and 2 more transcripts); c.1372C>G, p.Leu458Val (NM_001406626.1); c.1369C>G, p.Leu457Val (NM_001406627.1, NM_001406628.1); c.1270C>G, p.Leu424Val (NM_001406629.1, NM_001406630.1); c.2320C>G, p.Leu774Val (NM_001406599.1, NM_001406600.1, NM_001406608.1 and 4 more transcripts); c.2308C>G, p.Leu770Val (NM_001406601.1, NM_001406602.1); c.2305C>G, p.Leu769Val (NM_001406603.1, NM_001406604.1); and 3 more; short protein forms L653V, L769V, L770V, L724V, L424V, L654V, L723V, L457V.
Identifiers: ClinVar variation 4825802 (VCV004825802.1).
Genomic context (GRCh38, chr9:132,902,673, plus strand): 5'-CCTGGCTCTGGTTGTAGAATTCCTCTCGGTCATGCTGCAGCTGTCTGATCTGGCTGTGGA[G>C]CTTGGTTACCATAGTGTCACGCTGCTCCTGGAGCTGATTGTATCTAGCTTGTTCTTTCTG-3'
Protein context (NP_000359.1, residues 765-785): QEQRDTMVTK[Leu775Val]HSQIRQLQHD

ClinVar aggregate classification (germline): Uncertain significance (1 of 4 stars; one submission).

Conditions:
Hereditary cancer-predisposing syndrome. Also called: Neoplastic Syndromes, Hereditary; Tumor predisposition; Hereditary Cancer Syndrome; Hereditary neoplastic syndrome. Identifiers: Orphanet 140162, MedGen C0027672, MeSH D009386, MONDO:0015356.

Submission:

Ambry Genetics
Classification: Uncertain significance for Hereditary cancer-predisposing syndrome. Last evaluated: 2026-03-03. Review status: criteria provided, single submitter. Criteria: Ambry Variant Classification Scheme 2023. Collection method: clinical testing. Allele origin: germline.
Comment: The p.L775V variant (also known as c.2323C>G), located in coding exon 16 of the TSC1 gene, results from a C to G substitution at nucleotide position 2323. The leucine at codon 775 is replaced by valine, an amino acid with highly similar properties. This amino acid position is conserved. In addition, this alteration is predicted to be deleterious by in silico analysis. Based on the available evidence, the clinical significance of this variant remains unclear.